The following is an entry in ClinVar:

ClinVar aggregate classification (germline): Uncertain significance (1 of 4 stars; one submission).

Submission:

GeneDx
Classification: Uncertain significance. Last evaluated: 2024-01-13. Review status: criteria provided, single submitter. Criteria: GeneDx Variant Classification Process June 2021. Collection method: clinical testing. Allele origin: germline. Affected: yes.
Comment: Has not been previously published as pathogenic or benign to our knowledge; Not observed at significant frequency in large population cohorts (gnomAD); In silico analysis suggests this variant may impact gene splicing. In the absence of RNA/functional studies, the actual effect of this sequence change is unknown.

NM_001360.3(DHCR7):c.99-13T>G

Gene: DHCR7 (7-dehydrocholesterol reductase; minus strand). Cytogenetic location: 11q13.4.
Variant type: single nucleotide variant.
Coding change: c.99-13T>G on transcript NM_001360.3 (MANE Select); 13 bases into the intron before coding-DNA position 99, T replaced by G.
Molecular consequence: intron variant. On other transcripts: 5 prime UTR variant (1).
Genome position (GRCh38, 1-based): chr11:71,444,228, A>C on the plus strand (T>G on the coding strand, the complement: DHCR7 is on the minus strand). VCF-style: chr11-71444228-A-C. GRCh37 (hg19) VCF-style: chr11-71155274-A-C.
Other names: c.-89T>G (NM_001425117.1); c.99-13T>G (NM_001425120.1, NM_001425109.1, NM_001163817.2 and 8 more transcripts); c.99-109T>G (NM_001425114.1, NM_001425116.1, NM_001425113.1).
Identifiers: ClinVar variation 3367824 (VCV003367824.1).
Genomic context (GRCh38, chr11:71,444,228, plus strand): 5'-AACAGCAGTAGGAAGATGACGCTCGCCAGTGAAAACCAGTCCACCTCCCTGCGAGGACGG[A>C]TGCAGGCAGTCACACTGGGGCCCATCTGCCCTGGGCCCCACCAGGACCCTAAGAGGCTCT-3'